The following is an entry in ClinVar:

ClinVar aggregate classification (germline): Uncertain significance (1 of 4 stars; one submission).

gnomAD v4.1: 1 of 1,613,588 alleles (0.000062%); highest among the groups gnomAD compares: Admixed American, 0.0017%; no homozygotes.

Submission:

Athena Diagnostics
Classification: Uncertain significance. Last evaluated: 2024-01-18. Review status: criteria provided, single submitter. Criteria: Athena Diagnostics Criteria. Collection method: clinical testing. Allele origin: unknown.
Comment: Available data are insufficient to determine the clinical significance of the variant at this time. The frequency of this variant in the general population is uninformative in assessment of its pathogenicity. Computational tools predict that this variant is not damaging.

NM_133433.4(NIPBL):c.2225G>A (p.Ser742Asn)

Gene: NIPBL (NIPBL cohesin loading factor; plus strand). Cytogenetic location: 5p13.2.
Variant type: single nucleotide variant.
Coding change: c.2225G>A on transcript NM_133433.4 (MANE Select); coding-DNA position 2225, G replaced by A.
Protein change: p.Ser742Asn; replaces serine 742 with asparagine.
Molecular consequence: missense variant.
Genome position (GRCh38, 1-based): chr5:36,985,405, G>A. VCF-style: chr5-36985405-G-A. GRCh37 (hg19) VCF-style: chr5-36985507-G-A.
Other names: c.2225G>A, p.Ser742Asn (NM_015384.5); short protein forms S742N.
Identifiers: ClinVar variation 3571922 (VCV003571922.1).